The following is an entry in ClinVar:

NM_001966.4(EHHADH):c.1397T>G (p.Ile466Ser)

Gene: EHHADH (enoyl-CoA hydratase and 3-hydroxyacyl CoA dehydrogenase; minus strand). Cytogenetic location: 3q27.2.
Variant type: single nucleotide variant.
Coding change: c.1397T>G on transcript NM_001966.4 (MANE Select); coding-DNA position 1397, T replaced by G.
Protein change: p.Ile466Ser; replaces isoleucine 466 with serine.
Molecular consequence: missense variant.
Genome position (GRCh38, 1-based): chr3:185,193,001, A>C on the plus strand (T>G on the coding strand, the complement: EHHADH is on the minus strand). VCF-style: chr3-185193001-A-C. GRCh37 (hg19) VCF-style: chr3-184910789-A-C.
Other names: c.1109T>G, p.Ile370Ser (NM_001166415.2); short protein forms I370S, I466S.
Identifiers: ClinVar variation 3776154 (VCV003776154.1).
Genomic context (GRCh38, chr3:185,193,001, plus strand): 5'-TTCAACATTCGATTCCCCACAAATCCAAAACAGTTGCCTACAACGACTCCAATCTTTTTA[A>C]TCTTTTTTGATAAGTTCATAACAGTGGCAATGGTAGTGGGGGAAGAGTATTGGCTGGGAA-3'
Protein context (NP_001957.2, residues 456-476): IATVMNLSKK[Ile466Ser]KKIGVVVGNC

ClinVar aggregate classification (germline): Uncertain significance (1 of 4 stars; one submission).

Conditions:
Fanconi renotubular syndrome 3 (FRTS3). Identifiers: MedGen C3810100, MONDO:0014275, OMIM 615605.

Submission:

3billion
Classification: Uncertain significance for Fanconi renotubular syndrome 3. Last evaluated: 2023-06-30. Review status: criteria provided, single submitter. Criteria: ACMG Guidelines, 2015. Collection method: clinical testing. Allele origin: germline. Affected: yes.
Comment: The variant is not observed in the gnomAD v2.1.1 dataset. Predicted Consequence/Location: Missense changes are a common disease-causing mechanism. In silico tool predictions suggest damaging effect of the variant on gene or gene product (REVEL: 0.61). Therefore, this variant is classified as VUS according to the recommendation of ACMG/AMP guideline.